The following is an entry in ClinVar:

ClinVar aggregate classification (germline): Likely benign (1 of 4 stars; one submission).

Conditions:
Hereditary breast ovarian cancer syndrome. Also called: Hereditary breast and ovarian cancer; Hereditary breast and ovarian cancer syndrome (HBOC); Breast and ovarian cancer; Hereditary breast and/or ovarian cancer syndrome; BRCA1- and BRCA2-Associated Hereditary Breast and Ovarian Cancer; Hereditary breast and ovarian cancer syndrome. Identifiers: Orphanet 145, MedGen C0677776, MeSH D061325, MONDO:0003582. Disease mechanism: loss of function.

Submissions (2):

Labcorp Genetics (formerly Invitae), Labcorp
Classification: Likely benign for Hereditary breast ovarian cancer syndrome. Last evaluated: 2019-03-20. Review status: criteria provided, single submitter. Criteria: Invitae Variant Classification Sherloc (09022015). Collection method: clinical testing. Allele origin: germline.

Brotman Baty Institute, University of Washington
No classification provided (evidence only). Condition: Breast-ovarian cancer, familial 1. Review status: no classification provided. Collection method: in vitro. Allele origin: not applicable. Functional consequence: functionally_normal. Not counted in ClinVar's aggregate classification.
ClinVar note: "not provided" was previously submitted as the classification for the variant. However, the classification appeared to be based only on an observation of functional data so it was converted to no classification on 2025-07-30.

NM_007294.4(BRCA1):c.5467+18A>C

Gene: BRCA1 (BRCA1 DNA repair associated; minus strand). Cytogenetic location: 17q21.31.
Variant type: single nucleotide variant.
Coding change: c.5467+18A>C on transcript NM_007294.4 (MANE Select); 18 bases into the intron after coding-DNA position 5467, A replaced by C.
Molecular consequence: intron variant.
Genome position (GRCh38, 1-based): chr17:43,047,625, T>G on the plus strand (A>C on the coding strand, the complement: BRCA1 is on the minus strand). VCF-style: chr17-43047625-T-G. GRCh37 (hg19) VCF-style: chr17-41199642-T-G.
Other names: c.2014+18A>C (NM_001408458.1, NM_001408461.1, NM_001408464.1 and 7 more transcripts); c.4576+18A>C (NM_001407967.1); c.5086+18A>C (NM_001407959.1); c.5200+18A>C (NM_001407931.1, NM_001407932.1, NM_001407928.1 and 4 more transcripts); c.5323+18A>C (NM_001407747.1, NM_001407745.1, NM_001407737.1 and 18 more transcripts); c.5083+18A>C (NM_001407962.1, NM_001407960.1); c.1654+18A>C (NM_001408512.1); c.1777+18A>C (NM_001408510.1); and 83 more.
Identifiers: ClinVar variation 867553 (VCV000867553.12), dbSNP rs2050971894, ClinGen allele CA916080741.